The following is an entry in ClinVar:

NM_013254.4(TBK1):c.1180T>G (p.Tyr394Asp)

Gene: TBK1 (TANK binding kinase 1; plus strand). Cytogenetic location: 12q14.2.
Variant type: single nucleotide variant.
Coding change: c.1180T>G on transcript NM_013254.4 (MANE Select); coding-DNA position 1180, T replaced by G.
Protein change: p.Tyr394Asp; replaces tyrosine 394 with aspartic acid.
Molecular consequence: missense variant.
Genome position (GRCh38, 1-based): chr12:64,484,490, T>G. VCF-style: chr12-64484490-T-G. GRCh37 (hg19) VCF-style: chr12-64878270-T-G.
Other names: short protein forms Y394D.
Identifiers: ClinVar variation 1043369 (VCV001043369.8), dbSNP rs1267274595, ClinGen allele CA385600461.

ClinVar aggregate classification (germline): Uncertain significance (1 of 4 stars; one submission).

Conditions:
Frontotemporal dementia and/or amyotrophic lateral sclerosis 4. Also called: FTDALS4. Identifiers: Orphanet 275872, MedGen C4225325, MONDO:0014641, OMIM 616439.

Allele frequency attached by ClinVar (database versions not stated): gnomAD exomes below 0.00001.

Submission:

Labcorp Genetics (formerly Invitae), Labcorp
Classification: Uncertain significance for Frontotemporal dementia and/or amyotrophic lateral sclerosis 4. Last evaluated: 2020-01-13. Review status: criteria provided, single submitter. Criteria: Invitae Variant Classification Sherloc (09022015). Collection method: clinical testing. Allele origin: germline.
Comment: This sequence change replaces tyrosine with aspartic acid at codon 394 of the TBK1 protein (p.Tyr394Asp). The tyrosine residue is highly conserved and there is a large physicochemical difference between tyrosine and aspartic acid. This variant is not present in population databases (ExAC no frequency). This variant has been observed in an individual with amyotrophic lateral sclerosis; however, this individual also had a disease-causing variant in an alternate gene (PMID: 30033073). Algorithms developed to predict the effect of missense changes on protein structure and function (SIFT, PolyPhen-2, Align-GVGD) all suggest that this variant is likely to be disruptive, but these predictions have not been confirmed by published functional studies and their clinical significance is uncertain. In summary, the available evidence is currently insufficient to determine the role of this variant in disease. Therefore, it has been classified as a Variant of Uncertain Significance.

Literature cited by the submitters: PubMed 30033073.